The following is an entry in ClinVar:

ClinVar aggregate classification (germline): Uncertain significance (1 of 4 stars; one submission).

Conditions:
Hereditary cancer-predisposing syndrome. Also called: Neoplastic Syndromes, Hereditary; Tumor predisposition; Hereditary Cancer Syndrome; Hereditary neoplastic syndrome. Identifiers: Orphanet 140162, MedGen C0027672, MeSH D009386, MONDO:0015356.

Submission:

Ambry Genetics
Classification: Uncertain significance for Hereditary cancer-predisposing syndrome. Last evaluated: 2021-10-07. Review status: criteria provided, single submitter. Criteria: Ambry Variant Classification Scheme 2023. Collection method: clinical testing. Allele origin: germline.
Comment: The p.R256K variant (also known as c.767G>A), located in coding exon 1 of the AXIN2 gene, results from a G to A substitution at nucleotide position 767. The arginine at codon 256 is replaced by lysine, an amino acid with highly similar properties. This amino acid position is conserved. In addition, this alteration is predicted to be tolerated by in silico analysis. Since supporting evidence is limited at this time, the clinical significance of this alteration remains unclear.

NM_004655.4(AXIN2):c.767G>A (p.Arg256Lys)

Gene: AXIN2 (axin 2; minus strand). Cytogenetic location: 17q24.1.
Variant type: single nucleotide variant.
Coding change: c.767G>A on transcript NM_004655.4 (MANE Select); coding-DNA position 767, G replaced by A.
Protein change: p.Arg256Lys; replaces arginine 256 with lysine.
Molecular consequence: missense variant.
Genome position (GRCh38, 1-based): chr17:65,557,854, C>T on the plus strand (G>A on the coding strand, the complement: AXIN2 is on the minus strand). VCF-style: chr17-65557854-C-T. GRCh37 (hg19) VCF-style: chr17-63553972-C-T.
Other names: c.767G>A, p.Arg256Lys (NM_001363813.1); short protein forms R256K.
Identifiers: ClinVar variation 1760109 (VCV001760109.2), dbSNP rs2544247327, ClinGen allele CA400680317.